The following is an entry in ClinVar:

ClinVar aggregate classification (germline): Uncertain significance (1 of 4 stars; one submission).

Conditions:
Hereditary cancer-predisposing syndrome. Also called: Neoplastic Syndromes, Hereditary; Tumor predisposition; Hereditary neoplastic syndrome; Hereditary Cancer Syndrome. Identifiers: Orphanet 140162, MedGen C0027672, MeSH D009386, MONDO:0015356.

Submission:

Ambry Genetics
Classification: Uncertain significance for Hereditary cancer-predisposing syndrome. Last evaluated: 2026-07-07. Review status: criteria provided, single submitter. Criteria: Ambry Variant Classification Scheme 2023. Collection method: clinical testing. Allele origin: germline.
Comment: The p.L312R variant (also known as c.935T>G), located in coding exon 6 of the NTHL1 gene, results from a T to G substitution at nucleotide position 935. The leucine at codon 312 is replaced by arginine, an amino acid with dissimilar properties. This amino acid position is conserved. In addition, this alteration is predicted to be tolerated by in silico analysis. Based on the available evidence, the clinical significance of this variant remains unclear.

NM_002528.7(NTHL1):c.911T>G (p.Leu304Arg)

Gene: NTHL1 (nth like DNA glycosylase 1; minus strand). Cytogenetic location: 16p13.3.
Variant type: single nucleotide variant.
Coding change: c.911T>G on transcript NM_002528.7 (MANE Select); coding-DNA position 911, T replaced by G.
Protein change: p.Leu304Arg; replaces leucine 304 with arginine.
Molecular consequence: missense variant.
Genome position (GRCh38, 1-based): chr16:2,039,928, A>C on the plus strand (T>G on the coding strand, the complement: NTHL1 is on the minus strand). VCF-style: chr16-2039928-A-C. GRCh37 (hg19) VCF-style: chr16-2089929-A-C.
Other names: c.740T>G, p.Leu247Arg (NM_001318193.2); c.581T>G, p.Leu194Arg (NM_001318194.2); short protein forms L247R, L194R, L304R.
Identifiers: ClinVar variation 5025897 (VCV005025897.1).